The following is an entry in ClinVar:

ClinVar aggregate classification (germline): Likely benign. Review status: criteria provided, multiple submitters, no conflicts (2 of 4 stars). 2 submissions from 2 submitters: Likely benign (2). Last evaluated 2025-12-16.

Conditions:
Oligodontia-cancer predisposition syndrome. Also called: TOOTH AGENESIS-COLORECTAL CANCER SYNDROME. Identifiers: Orphanet 300576, MedGen C1837750, MONDO:0012075, OMIM 608615. Disease mechanism: loss of function.

Submissions (2):

Labcorp Genetics (formerly Invitae), Labcorp
Classification: Likely benign for Oligodontia-cancer predisposition syndrome. Last evaluated: 2025-12-16. Review status: criteria provided, single submitter. Criteria: Invitae Variant Classification Sherloc (09022015). Collection method: clinical testing. Allele origin: germline.

Myriad Genetics, Inc.
Classification: Likely benign for Oligodontia-cancer predisposition syndrome. Last evaluated: 2024-07-10. Review status: criteria provided, single submitter. Criteria: Myriad Autosomal Dominant, Autosomal Recessive and X-Linked Classification Criteria (2023). Collection method: clinical testing. Allele origin: unknown.
Comment: This variant is considered likely benign. This variant is intronic and is not expected to impact mRNA splicing.

NM_004655.4(AXIN2):c.2142-6C>T

Gene: AXIN2 (axin 2; minus strand). Cytogenetic location: 17q24.1.
Variant type: single nucleotide variant.
Coding change: c.2142-6C>T on transcript NM_004655.4 (MANE Select); 6 bases into the intron before coding-DNA position 2142, C replaced by T.
Molecular consequence: intron variant.
Genome position (GRCh38, 1-based): chr17:65,535,727, G>A on the plus strand (C>T on the coding strand, the complement: AXIN2 is on the minus strand). VCF-style: chr17-65535727-G-A. GRCh37 (hg19) VCF-style: chr17-63531845-G-A.
Other names: c.1947-6C>T (NM_001363813.1).
Identifiers: ClinVar variation 3378991 (VCV003378991.2).